The following is an entry in ClinVar:

ClinVar aggregate classification (germline): Likely benign (1 of 4 stars; one submission).

Allele frequency attached by ClinVar (database versions not stated): 1000 Genomes Project 0.00399; 1000 Genomes Project 30x 0.00547; gnomAD 0.01093 and 0.01175; TOPMed 0.01121.
gnomAD v4.1: 1,726 of 152,186 alleles (1.1%); highest among the groups gnomAD compares: Non-Finnish European, 2%; 9 homozygotes.

Submission:

GeneDx
Classification: Likely benign. Last evaluated: 2018-06-14. Review status: criteria provided, single submitter. Criteria: GeneDx Variant Classification (06012015). Collection method: clinical testing. Allele origin: germline. Affected: yes.
Comment: This variant is considered likely benign or benign based on one or more of the following criteria: it is a conservative change, it occurs at a poorly conserved position in the protein, it is predicted to be benign by multiple in silico algorithms, and/or has population frequency not consistent with disease.

NM_130839.5(UBE3A):c.1754-271A>G

Genes: SNHG14 (small nucleolar RNA host gene 14; plus strand), UBE3A (ubiquitin protein ligase E3A; minus strand). Cytogenetic location: 15q11.2.
Variant type: single nucleotide variant.
Coding change: c.1754-271A>G on transcript NM_130839.5 (MANE Select); 271 bases into the intron before coding-DNA position 1754, A replaced by G.
Molecular consequence: intron variant.
Genome position (GRCh38, 1-based): chr15:25,357,167, T>C on the plus strand (A>G on the coding strand, the complement: UBE3A is on the minus strand). VCF-style: chr15-25357167-T-C. GRCh37 (hg19) VCF-style: chr15-25602314-T-C.
Other names: c.1577-271A>G (NM_001354546.2); c.443-271A>G (NM_001354551.2); c.1694-271A>G (NM_001354549.2, NM_001354548.2, NM_130838.4 and 17 more transcripts); c.503-271A>G (NM_001354550.2); c.1754-271A>G (NM_001354545.2, NM_001354538.2, NM_001354505.1); c.1763-271A>G (NM_000462.5).
Identifiers: ClinVar variation 672383 (VCV000672383.1), dbSNP rs75606291, ClinGen allele CA267772364.